The following is an entry in ClinVar:

ClinVar aggregate classification (germline): Pathogenic (1 of 4 stars; one submission).

Conditions:
Kabuki syndrome 1 (KABUK1). Also called: KMT2D-Related Kabuki Syndrome. Identifiers: Orphanet 2322, MedGen CN030661, MONDO:0007843, OMIM 147920.

Submission:

Juno Genomics, Hangzhou Juno Genomics, Inc
Classification: Pathogenic for Kabuki syndrome 1. Review status: criteria provided, single submitter. Criteria: ACMG Guidelines, 2015. Collection method: clinical testing. Allele origin: germline. Affected: yes.
Comment: Absent from controls (or at extremely low frequency if recessive) in Genome Aggregation Database.;Null variant in a gene where loss of function (LOF) is a known mechanism of disease.;Patient's phenotype or family history is highly specific for a disease with a single genetic etiology.

NM_003482.4(KMT2D):c.16376_16377del (p.His5459fs)

Gene: KMT2D (lysine methyltransferase 2D; minus strand). Cytogenetic location: 12q13.12.
Variant type: Deletion.
Coding change: c.16376_16377del on transcript NM_003482.4 (MANE Select); coding-DNA positions 16376 to 16377, 2 bases deleted (AT; older notation c.16376_16377delAT).
Protein change: p.His5459fs; shifts the reading frame from histidine 5459.
Molecular consequence: frameshift variant.
Genome position (GRCh38, 1-based): chr12:49,022,315-49,022,316, AT deleted on the plus strand (AT on the coding strand, the reverse complement: KMT2D is on the minus strand). VCF-style (leftmost placement, unchanged base first): chr12-49022314-CAT-C. GRCh37 (hg19) VCF-style: chr12-49416097-CAT-C.
Other names: short protein forms H5459fs.
Identifiers: ClinVar variation 5018674 (VCV005018674.1).